The following is an entry in ClinVar:

ClinVar aggregate classification (germline): Uncertain significance (1 of 4 stars; one submission).

Submission:

GeneDx
Classification: Uncertain significance. Last evaluated: 2023-07-31. Review status: criteria provided, single submitter. Criteria: GeneDx Variant Classification Process June 2021. Collection method: clinical testing. Allele origin: germline. Affected: yes.
Comment: Not observed at significant frequency in large population cohorts (gnomAD); In silico analysis supports that this missense variant has a deleterious effect on protein structure/function; Has not been previously published as pathogenic or benign to our knowledge; Variants in candidate genes are classified as variants of uncertain significance in accordance with ACMG guidelines (Richards et al., 2015)

NM_175634.3(RUNX1T1):c.1607G>T (p.Gly536Val)

Gene: RUNX1T1 (RUNX1 partner transcriptional co-repressor 1; minus strand). Cytogenetic location: 8q21.3.
Variant type: single nucleotide variant.
Coding change: c.1607G>T on transcript NM_175634.3 (MANE Select); coding-DNA position 1607, G replaced by T.
Protein change: p.Gly536Val; replaces glycine 536 with valine.
Molecular consequence: missense variant.
Genome position (GRCh38, 1-based): chr8:91,960,450, C>A on the plus strand (G>T on the coding strand, the complement: RUNX1T1 is on the minus strand). VCF-style: chr8-91960450-C-A. GRCh37 (hg19) VCF-style: chr8-92972678-C-A.
Other names: c.1526G>T, p.Gly509Val (NM_001198625.2, NM_001198632.2, NM_004349.4); c.1607G>T, p.Gly536Val (NM_001198626.2, NM_001198627.2, NM_001198628.2 and 3 more transcripts); c.1547G>T, p.Gly516Val (NM_001198633.2); c.1640G>T, p.Gly547Val (NM_001198634.2); c.1784G>T, p.Gly595Val (NM_001198679.3); c.1691G>T, p.Gly564Val (NM_001395209.1); c.1496G>T, p.Gly499Val (NM_175635.3, NM_175636.2); short protein forms G499V, G509V, G516V, G536V, G547V, G564V, G595V.
Identifiers: ClinVar variation 3381447 (VCV003381447.1).
Genomic context (GRCh38, chr8:91,960,450, plus strand): 5'-TGCAGGGTCTGTCCACAGATGTGATGGTGCTTCTCCCAGTCTTTGTGCTGGCAAAATGAG[C>A]CACAGTATCGGGCTGTGTTACAGCCACTGCAGGTTTCACTCGCTTTACGGCCACAATTCC-3'
Protein context (NP_783552.1, residues 526-546): CSGCNTARYC[Gly536Val]SFCQHKDWEK